The following is an entry in ClinVar:

NM_000431.4(MVK):c.1039+1G>C

Gene: MVK (mevalonate kinase; plus strand). Cytogenetic location: 12q24.11.
Variant type: single nucleotide variant.
Coding change: c.1039+1G>C on transcript NM_000431.4 (MANE Select); the canonical splice donor site of the intron after coding-DNA position 1039, G replaced by C.
Molecular consequence: splice donor variant. On other transcripts: missense variant (2).
Genome position (GRCh38, 1-based): chr12:109,595,182, G>C. VCF-style: chr12-109595182-G-C. GRCh37 (hg19) VCF-style: chr12-110032987-G-C.
Other names: c.1040G>C, p.Gly347Ala (NM_001414513.1); c.884G>C, p.Gly295Ala (NM_001414514.1); c.1039+1G>C (NM_001414511.1, NM_001114185.3); c.1114+1G>C (NM_001414512.1); c.883+1G>C (NM_001301182.2); c.457+1G>C (NM_001414515.1); short protein forms G295A, G347A.
Identifiers: ClinVar variation 2441609 (VCV002441609.4), dbSNP rs104895362, ClinGen allele CA386651084.

ClinVar aggregate classification (germline): Likely pathogenic. Review status: criteria provided, multiple submitters, no conflicts (2 of 4 stars). 3 submissions from 3 submitters: Likely pathogenic (3). Last evaluated 2025-06-25.

Conditions:
Porokeratosis 3, disseminated superficial actinic type (POROK3). Also called: POROKERATOSIS, DISSEMINATED SUPERFICIAL ACTINIC, 1; POROKERATOSIS 3, MULTIPLE TYPES; POROKERATOSIS 3, MIBELLI TYPE. Identifiers: MedGen C1867981, MONDO:0008293, OMIM 175900.
Mevalonic aciduria (MEVA). Identifiers: Orphanet 29, MedGen C1959626, MONDO:0012481, OMIM 610377.
Hyperimmunoglobulin D with periodic fever (HIDS). Also called: HYPERIMMUNOGLOBULINEMIA D AND PERIODIC FEVER SYNDROME; Hyperimmunoglobulinemia D; Hyperimmunoglobulinemia D with periodic fever. Identifiers: Orphanet 343, MedGen C0398691, MONDO:0009849, OMIM 260920.
Deficiency of mevalonate kinase. Also called: Mevalonate kinase deficiency. Identifiers: Orphanet 309025, MedGen C0342731, MONDO:0017708.

gnomAD v4.1: 9 of 1,614,010 alleles (0.00056%); highest among the groups gnomAD compares: Non-Finnish European, 0.00076%; no homozygotes.

Submissions (3):

Myriad Genetics, Inc.
Classification: Likely pathogenic for Deficiency of mevalonate kinase. Last evaluated: 2025-06-25. Review status: criteria provided, single submitter. Criteria: Myriad Autosomal Dominant, Autosomal Recessive and X-Linked Classification Criteria (2023). Collection method: clinical testing. Allele origin: unknown.
Comment: NM_000431.2(MVK):c.1039+1G>C is a variant in a canonical splice site classified as likely pathogenic in the context of mevalonate kinase deficiency. c.1039+1G>C has not been observed in cases with relevant disease. Relevant functional assessments of this variant are not available in the literature. c.1039+1G>C has not been observed in referenced population frequency databases. In summary, NM_000431.2(MVK):c.1039+1G>C is a variant in a canonical splice site in a gene where loss of function is a known mechanism of disease and is predicted to disrupt protein function. Please note: this variant was assessed in the context of healthy population screening.

Fulgent Genetics
Classification: Likely pathogenic for Porokeratosis 3, disseminated superficial actinic type; Hyperimmunoglobulin D with periodic fever; Mevalonic aciduria. Last evaluated: 2023-12-29. Review status: criteria provided, single submitter. Criteria: ACMG Guidelines, 2015. Collection method: clinical testing. Allele origin: germline.

Revvity Omics, Revvity
Classification: Likely pathogenic. Last evaluated: 2022-12-28. Review status: criteria provided, single submitter. Criteria: ACMG Guidelines, 2015. Collection method: clinical testing. Allele origin: germline.